The following is an entry in ClinVar:

NM_182914.3(SYNE2):c.7256T>C (p.Leu2419Pro)

Gene: SYNE2 (spectrin repeat containing nuclear envelope protein 2; plus strand). Cytogenetic location: 14q23.2.
Variant type: single nucleotide variant.
Coding change: c.7256T>C on transcript NM_182914.3 (MANE Select); coding-DNA position 7256, T replaced by C.
Protein change: p.Leu2419Pro; replaces leucine 2419 with proline.
Molecular consequence: missense variant.
Genome position (GRCh38, 1-based): chr14:64,048,034, T>C. VCF-style: chr14-64048034-T-C. GRCh37 (hg19) VCF-style: chr14-64514752-T-C.
Other names: c.7256T>C, p.Leu2419Pro (NM_015180.6); short protein forms L2419P.
Identifiers: ClinVar variation 1472182 (VCV001472182.6), dbSNP rs2097198733, ClinGen allele CA389957545.

ClinVar aggregate classification (germline): Uncertain significance (1 of 4 stars; one submission).

Conditions:
Emery-Dreifuss muscular dystrophy 5, autosomal dominant (EDMD5). Also called: EMERY-DREIFUSS MUSCULAR DYSTROPHY 5. Identifiers: Orphanet 261, MedGen C2751805, MONDO:0013072, OMIM 612999.

Allele frequency attached by ClinVar (database versions not stated): gnomAD exomes below 0.00001.
gnomAD v4.1: 1 of 1,613,844 alleles (0.000062%); highest among the groups gnomAD compares: Non-Finnish European, 0.000085%; no homozygotes.

Submission:

Labcorp Genetics (formerly Invitae), Labcorp
Classification: Uncertain significance for Emery-Dreifuss muscular dystrophy 5, autosomal dominant. Last evaluated: 2022-03-22. Review status: criteria provided, single submitter. Criteria: Invitae Variant Classification Sherloc (09022015). Collection method: clinical testing. Allele origin: germline.
Comment: In summary, the available evidence is currently insufficient to determine the role of this variant in disease. Therefore, it has been classified as a Variant of Uncertain Significance. Algorithms developed to predict the effect of missense changes on protein structure and function (SIFT, PolyPhen-2, Align-GVGD) all suggest that this variant is likely to be tolerated. This variant has not been reported in the literature in individuals affected with SYNE2-related conditions. This variant is not present in population databases (gnomAD no frequency). This sequence change replaces leucine, which is neutral and non-polar, with proline, which is neutral and non-polar, at codon 2419 of the SYNE2 protein (p.Leu2419Pro).